The following is an entry in ClinVar:

NM_001378964.1(CDON):c.1501G>A (p.Glu501Lys)

Gene: CDON (cell adhesion associated, oncogene regulated; minus strand). Cytogenetic location: 11q24.2.
Variant type: single nucleotide variant.
Coding change: c.1501G>A on transcript NM_001378964.1 (MANE Select); coding-DNA position 1501, G replaced by A.
Protein change: p.Glu501Lys; replaces glutamic acid 501 with lysine.
Molecular consequence: missense variant.
Genome position (GRCh38, 1-based): chr11:126,010,392, C>T on the plus strand (G>A on the coding strand, the complement: CDON is on the minus strand). VCF-style: chr11-126010392-C-T. GRCh37 (hg19) VCF-style: chr11-125880287-C-T.
Other names: c.1501G>A, p.Glu501Lys (NM_001243597.3, NM_016952.6); short protein forms E501K.
Identifiers: ClinVar variation 879787 (VCV000879787.5), dbSNP rs761054118, ClinGen allele CA6352021.

ClinVar aggregate classification (germline): Likely benign. Review status: criteria provided, multiple submitters, no conflicts (2 of 4 stars). 2 submissions from 2 submitters: Likely benign (2). Last evaluated 2025-04-25.

Conditions:
Holoprosencephaly 11 (HPE11). Identifiers: Orphanet 2162, MedGen C3280215, MONDO:0013642, OMIM 614226.
Inborn genetic diseases. Identifiers: MedGen C0950123, MeSH D030342.

Allele frequency attached by ClinVar (database versions not stated): gnomAD exomes 0.00001 and 0.00005; gnomAD 0.00005 and 0.00004; TOPMed 0.00008; ExAC 0.00005.
gnomAD v4.1: 22 of 1,613,824 alleles (0.0014%); highest among the groups gnomAD compares: African/African-American, 0.008%; no homozygotes.

Submissions (2):

Ambry Genetics
Classification: Likely benign for Inborn genetic diseases. Last evaluated: 2025-04-25. Review status: criteria provided, single submitter. Criteria: Ambry Variant Classification Scheme 2023. Collection method: clinical testing. Allele origin: germline.

Illumina Laboratory Services, Illumina
Classification: Likely benign for Holoprosencephaly 11. Last evaluated: 2018-01-13. Review status: criteria provided, single submitter. Criteria: ICSL Variant Classification Criteria 13 December 2019. Collection method: clinical testing. Allele origin: germline.
Comment: This variant was observed in the ICSL laboratory as part of a predisposition screen in an ostensibly healthy population. It had not been previously curated by ICSL or reported in the Human Gene Mutation Database (HGMD: prior to June 1st, 2018), and was therefore a candidate for classification through an automated scoring system. Utilizing variant allele frequency, disease prevalence and penetrance estimates, and inheritance mode, an automated score was calculated to assess if this variant is too frequent to cause the disease. Based on the score and internal cut-off values, a variant classified as likely benign is not then subjected to further curation. The score for this variant resulted in a classification of likely benign for this disease.